The following is an entry in ClinVar:

NM_080669.6(SLC46A1):c.530G>A (p.Arg177His)

Gene: SLC46A1 (solute carrier family 46 member 1; minus strand). Cytogenetic location: 17q11.2.
Variant type: single nucleotide variant.
Coding change: c.530G>A on transcript NM_080669.6 (MANE Select); coding-DNA position 530, G replaced by A.
Protein change: p.Arg177His; replaces arginine 177 with histidine.
Molecular consequence: missense variant.
Genome position (GRCh38, 1-based): chr17:28,405,167, C>T on the plus strand (G>A on the coding strand, the complement: SLC46A1 is on the minus strand). VCF-style: chr17-28405167-C-T. GRCh37 (hg19) VCF-style: chr17-26732185-C-T.
Other names: c.530G>A, p.Arg177His (NM_001242366.3); short protein forms R177H.
Identifiers: ClinVar variation 1948418 (VCV001948418.4), dbSNP rs542701757, ClinGen allele CA8458317.

ClinVar aggregate classification (germline): Uncertain significance (1 of 4 stars; one submission).

Allele frequency attached by ClinVar (database versions not stated): gnomAD 0.00003; ExAC 0.00004; TOPMed 0.00004; 1000 Genomes Project 30x 0.00016; 1000 Genomes Project 0.00020.
gnomAD v4.1: 8 of 1,609,660 alleles (0.0005%); highest among the groups gnomAD compares: African/African-American, 0.008%; no homozygotes.

Submission:

Labcorp Genetics (formerly Invitae), Labcorp
Classification: Uncertain significance. Last evaluated: 2026-01-25. Review status: criteria provided, single submitter. Criteria: Invitae Variant Classification Sherloc (09022015). Collection method: clinical testing. Allele origin: germline.
Comment: This sequence change replaces arginine, which is basic and polar, with histidine, which is basic and polar, at codon 177 of the SLC46A1 protein (p.Arg177His). The frequency data for this variant in the population databases is considered unreliable, as metrics indicate poor data quality at this position in the gnomAD database. This variant has not been reported in the literature in individuals affected with SLC46A1-related conditions. ClinVar contains an entry for this variant (Variation ID: 1948418). Invitae Evidence Modeling of protein sequence and biophysical properties (such as structural, functional, and spatial information, amino acid conservation, physicochemical variation, residue mobility, and thermodynamic stability) has been performed for this missense variant. However, the output from this modeling did not meet the statistical confidence thresholds required to predict the impact of this variant on SLC46A1 protein function. In summary, the available evidence is currently insufficient to determine the role of this variant in disease. Therefore, it has been classified as a Variant of Uncertain Significance.